The following is an entry in ClinVar:

NM_001005498.4(RHBDF2):c.845C>A (p.Pro282Gln)

Gene: RHBDF2 (rhomboid 5 homolog 2; minus strand). Cytogenetic location: 17q25.1.
Variant type: single nucleotide variant.
Coding change: c.845C>A on transcript NM_001005498.4 (MANE Select); coding-DNA position 845, C replaced by A.
Protein change: p.Pro282Gln; replaces proline 282 with glutamine.
Molecular consequence: missense variant. On other transcripts: non-coding transcript variant (3).
Genome position (GRCh38, 1-based): chr17:76,477,255, G>T on the plus strand (C>A on the coding strand, the complement: RHBDF2 is on the minus strand). VCF-style: chr17-76477255-G-T. GRCh37 (hg19) VCF-style: chr17-74473337-G-T.
Other names: c.845C>A, p.Pro282Gln (NM_001376228.1, NM_001376229.1, NM_001376230.1); c.932C>A, p.Pro311Gln (NM_024599.5); short protein forms P282Q, P311Q.
Identifiers: ClinVar variation 2588340 (VCV002588340.5), dbSNP rs750059653, ClinGen allele CA8787204.

ClinVar aggregate classification (germline): Uncertain significance. Review status: criteria provided, multiple submitters, no conflicts (2 of 4 stars). 2 submissions from 2 submitters: Uncertain significance (2). Last evaluated 2025-10-29.

Conditions:
Inborn genetic diseases. Identifiers: MedGen C0950123, MeSH D030342.

gnomAD v4.1: 56 of 1,606,590 alleles (0.0035%); highest among the groups gnomAD compares: Non-Finnish European, 0.0044%; no homozygotes.

Submissions (2):

Ambry Genetics
Classification: Uncertain significance for Inborn genetic diseases. Last evaluated: 2025-10-29. Review status: criteria provided, single submitter. Criteria: Ambry Variant Classification Scheme 2023. Collection method: clinical testing. Allele origin: germline.

Labcorp Genetics (formerly Invitae), Labcorp
Classification: Uncertain significance. Last evaluated: 2025-02-17. Review status: criteria provided, single submitter. Criteria: Invitae Variant Classification Sherloc (09022015). Collection method: clinical testing. Allele origin: germline.
Comment: This sequence change replaces proline, which is neutral and non-polar, with glutamine, which is neutral and polar, at codon 311 of the RHBDF2 protein (p.Pro311Gln). This variant is present in population databases (rs750059653, gnomAD 0.01%). This variant has not been reported in the literature in individuals affected with RHBDF2-related conditions. ClinVar contains an entry for this variant (Variation ID: 2588340). An algorithm developed to predict the effect of missense changes on protein structure and function (PolyPhen-2) suggests that this variant is likely to be disruptive. In summary, the available evidence is currently insufficient to determine the role of this variant in disease. Therefore, it has been classified as a Variant of Uncertain Significance.